The following is an entry in ClinVar:

NM_000260.4(MYO7A):c.6546C>T (p.Cys2182=)

Gene: MYO7A (myosin VIIA; plus strand). Cytogenetic location: 11q13.5.
Variant type: single nucleotide variant.
Coding change: c.6546C>T on transcript NM_000260.4 (MANE Select); coding-DNA position 6546, C replaced by T.
Protein change: p.Cys2182=; no amino-acid change (cysteine 2182 retained).
Molecular consequence: synonymous variant.
Genome position (GRCh38, 1-based): chr11:77,213,967, C>T. VCF-style: chr11-77213967-C-T. GRCh37 (hg19) VCF-style: chr11-76925012-C-T.
Other names: c.6426C>T, p.Cys2142= (NM_001127180.2); c.6399C>T, p.Cys2133= (NM_001369365.1).
Identifiers: ClinVar variation 708108 (VCV000708108.18), dbSNP rs185748200, ClinGen allele CA6199105.
Genomic context (GRCh38, chr11:77,213,967, plus strand): 5'-CGGCAACACCTACTTCCACATCACCATTGGGAACTTGGTGCGCGGGAGCAAACTGCTCTG[C>T]GAGACGTCACTGGTGAGGGCGCATCCTGCTGGGCCTAGTGGGCTCCCTGCCTTGCCTGCA-3'
Protein context (NP_000251.3, residues 2172-2192): GNLVRGSKLL[Cys2182=]ETSLGYKMDD

ClinVar aggregate classification (germline): Conflicting classifications of pathogenicity. Review status: criteria provided, conflicting classifications (1 of 4 stars). 5 submissions from 5 submitters: Uncertain significance (1); Likely benign (2). 2 of the submissions do not count toward it. Last evaluated 2026-01-28.

Conditions:
MYO7A-related disorder. Also called: MYO7A-related disorders.
Usher syndrome type 1B (USH1B). Also called: Usher syndrome type IB. Identifiers: MedGen C1848638, MONDO:0700087.

Allele frequency attached by ClinVar (database versions not stated): ExAC 0.00011; gnomAD exomes 0.00011; 1000 Genomes Project 30x 0.00016; 1000 Genomes Project 0.00020; TOPMed 0.00020; gnomAD 0.00022 and 0.00027; ESP Exome Variant Server 0.00047.
gnomAD v4.1: 342 of 1,614,050 alleles (0.021%); highest among the groups gnomAD compares: African/African-American, 0.035%; 1 homozygote.

Submissions (5):

Labcorp Genetics (formerly Invitae), Labcorp
Classification: Likely benign. Last evaluated: 2026-01-28. Review status: criteria provided, single submitter. Criteria: Invitae Variant Classification Sherloc (09022015). Collection method: clinical testing. Allele origin: germline.

Blueprint Genetics
Classification: Likely benign. Last evaluated: 2024-08-15. Review status: criteria provided, single submitter. Criteria: ACMG Guidelines, 2015. Collection method: clinical testing. Allele origin: germline.

GeneDx
Classification: Uncertain significance. Last evaluated: 2022-04-01. Review status: criteria provided, single submitter. Criteria: GeneDx Variant Classification Process June 2021. Collection method: clinical testing. Allele origin: germline. Affected: yes.
Comment: Has not been previously published as pathogenic or benign to our knowledge; In silico analysis, which includes splice predictors and evolutionary conservation, suggests this variant may impact gene splicing. In the absence of RNA/functional studies, the actual effect of this sequence change is unknown.

PreventionGenetics, part of Exact Sciences
Classification: Likely benign for MYO7A-related condition. Last evaluated: 2020-04-20. Review status: no assertion criteria provided. Collection method: clinical testing. Allele origin: germline. Not counted in ClinVar's aggregate classification.
Comment: This variant is classified as likely benign based on ACMG/AMP sequence variant interpretation guidelines (Richards et al. 2015 PMID: 25741868, with internal and published modifications).

Natera, Inc.
Classification: Uncertain significance for Usher syndrome type 1B. Last evaluated: 2020-04-17. Review status: no assertion criteria provided. Collection method: clinical testing. Allele origin: germline. Not counted in ClinVar's aggregate classification.